The following is an entry in ClinVar:

NM_006059.4(LAMC3):c.2805G>T (p.Gln935His)

Gene: LAMC3 (laminin subunit gamma 3; plus strand). Cytogenetic location: 9q34.12.
Variant type: single nucleotide variant.
Coding change: c.2805G>T on transcript NM_006059.4 (MANE Select); coding-DNA position 2805, G replaced by T.
Protein change: p.Gln935His; replaces glutamine 935 with histidine.
Molecular consequence: missense variant.
Genome position (GRCh38, 1-based): chr9:131,068,965, G>T. VCF-style: chr9-131068965-G-T. GRCh37 (hg19) VCF-style: chr9-133944352-G-T.
Other names: short protein forms Q935H.
Identifiers: ClinVar variation 1487646 (VCV001487646.5), dbSNP rs372019403, ClinGen allele CA5287583.

ClinVar aggregate classification (germline): Uncertain significance (1 of 4 stars; one submission).

Allele frequency attached by ClinVar (database versions not stated): ESP Exome Variant Server 0.00008.
gnomAD v4.1: 25 of 1,613,978 alleles (0.0015%); highest among the groups gnomAD compares: African/African-American, 0.0027%; no homozygotes.

Submission:

Labcorp Genetics (formerly Invitae), Labcorp
Classification: Uncertain significance. Last evaluated: 2021-08-31. Review status: criteria provided, single submitter. Criteria: Invitae Variant Classification Sherloc (09022015). Collection method: clinical testing. Allele origin: germline.
Comment: This sequence change replaces glutamine with histidine at codon 935 of the LAMC3 protein (p.Gln935His). The glutamine residue is highly conserved and there is a small physicochemical difference between glutamine and histidine. This variant is present in population databases (rs372019403, ExAC 0.01%). This variant has not been reported in the literature in individuals affected with LAMC3-related conditions. Algorithms developed to predict the effect of missense changes on protein structure and function are either unavailable or do not agree on the potential impact of this missense change (SIFT: "Deleterious"; PolyPhen-2: "Probably Damaging"; Align-GVGD: "Class C0"). In summary, the available evidence is currently insufficient to determine the role of this variant in disease. Therefore, it has been classified as a Variant of Uncertain Significance.